The following is an entry in ClinVar:

NM_001039876.3(SYNE4):c.756G>A (p.Ala252=)

Gene: SYNE4 (spectrin repeat containing nuclear envelope family member 4; minus strand). Cytogenetic location: 19q13.12.
Variant type: single nucleotide variant.
Coding change: c.756G>A on transcript NM_001039876.3 (MANE Select); coding-DNA position 756, G replaced by A.
Protein change: p.Ala252=; no amino-acid change (alanine 252 retained).
Molecular consequence: synonymous variant.
Genome position (GRCh38, 1-based): chr19:36,006,534, C>T on the plus strand (G>A on the coding strand, the complement: SYNE4 is on the minus strand). VCF-style: chr19-36006534-C-T. GRCh37 (hg19) VCF-style: chr19-36497436-C-T.
Other names: c.417G>A, p.Ala139= (NM_001297735.3).
Identifiers: ClinVar variation 514699 (VCV000514699.18), dbSNP rs137899688, ClinGen allele CA9393859.

ClinVar aggregate classification (germline): Conflicting classifications of pathogenicity. Review status: criteria provided, conflicting classifications (1 of 4 stars). 4 submissions from 4 submitters: Uncertain significance (1); Likely benign (2). 1 of the submissions does not count toward it. Last evaluated 2026-01-24.

Conditions:
SYNE4-related disorder. Also called: SYNE4-related condition.

Allele frequency attached by ClinVar (database versions not stated): ESP Exome Variant Server 0.00034; gnomAD 0.00058 and 0.00063; TOPMed 0.00063; 1000 Genomes Project 0.00140; 1000 Genomes Project 30x 0.00203; gnomAD exomes 0.00005 and 0.00011; ExAC 0.00015.
gnomAD v4.1: 163 of 1,606,820 alleles (0.01%); highest among the groups gnomAD compares: African/African-American, 0.18%; no homozygotes.

Submissions (4):

Labcorp Genetics (formerly Invitae), Labcorp
Classification: Likely benign. Last evaluated: 2026-01-24. Review status: criteria provided, single submitter. Criteria: Invitae Variant Classification Sherloc (09022015). Collection method: clinical testing. Allele origin: germline.

GeneDx
Classification: Likely benign. Last evaluated: 2020-09-25. Review status: criteria provided, single submitter. Criteria: GeneDx Variant Classification Process June 2021. Collection method: clinical testing. Allele origin: germline. Affected: yes.

Eurofins Ntd Llc (ga)
Classification: Uncertain significance. Last evaluated: 2017-10-12. Review status: criteria provided, single submitter. Criteria: EGL Classification Definitions 2015. Collection method: clinical testing. Allele origin: germline. Observed: 1 variant allele, 1 heterozygote.

PreventionGenetics, part of Exact Sciences
Classification: Likely benign for SYNE4-related condition. Last evaluated: 2024-06-03. Review status: no assertion criteria provided. Collection method: clinical testing. Allele origin: germline. Not counted in ClinVar's aggregate classification.
Comment: This variant is classified as likely benign based on ACMG/AMP sequence variant interpretation guidelines (Richards et al. 2015 PMID: 25741868, with internal and published modifications).